The following is an entry in ClinVar:

NM_031885.5(BBS2):c.657T>C (p.Tyr219=)

Gene: BBS2 (Bardet-Biedl syndrome 2; minus strand). Cytogenetic location: 16q13.
Variant type: single nucleotide variant.
Coding change: c.657T>C on transcript NM_031885.5 (MANE Select); coding-DNA position 657, T replaced by C.
Protein change: p.Tyr219=; no amino-acid change (tyrosine 219 retained).
Molecular consequence: synonymous variant. On other transcripts: non-coding transcript variant (5).
Genome position (GRCh38, 1-based): chr16:56,506,180, A>G on the plus strand (T>C on the coding strand, the complement: BBS2 is on the minus strand). VCF-style: chr16-56506180-A-G. GRCh37 (hg19) VCF-style: chr16-56540092-A-G.
Other names: c.657T>C (NM_031885.3); c.657T>C, p.Tyr219= (NM_001377456.1).
Identifiers: ClinVar variation 1120269 (VCV001120269.10), dbSNP rs139106996, ClinGen allele CA8065970.

ClinVar aggregate classification (germline): Likely benign. Review status: criteria provided, multiple submitters, no conflicts (2 of 4 stars). 2 submissions from 2 submitters: Likely benign (2). Last evaluated 2025-03-17.

Conditions:
BBS2-related disorder. Also called: BBS2-related condition; BBS2-related disorders. Identifiers: MedGen CN239228.
Bardet-Biedl syndrome (BBS). Identifiers: Orphanet 110, MedGen C0752166, MONDO:0015229.

Allele frequency attached by ClinVar (database versions not stated): ExAC 0.00002; gnomAD 0.00002; gnomAD exomes 0.00002 and 0.00005; TOPMed 0.00002; ESP Exome Variant Server 0.00008.
gnomAD v4.1: 70 of 1,613,984 alleles (0.0043%); highest among the groups gnomAD compares: Non-Finnish European, 0.0057%; no homozygotes.

Submissions (2):

Labcorp Genetics (formerly Invitae), Labcorp
Classification: Likely benign for Bardet-Biedl syndrome. Last evaluated: 2025-03-17. Review status: criteria provided, single submitter. Criteria: Invitae Variant Classification Sherloc (09022015). Collection method: clinical testing. Allele origin: germline.

PreventionGenetics, part of Exact Sciences
Classification: Likely benign for BBS2-related condition. Last evaluated: 2024-12-10. Review status: criteria provided, single submitter. Criteria: ACMG Guidelines, 2015. Collection method: clinical testing. Allele origin: germline.
Comment: This variant is classified as likely benign based on ACMG/AMP sequence variant interpretation guidelines (Richards et al. 2015 PMID: 25741868, with internal and published modifications).